The following is an entry in ClinVar:

ClinVar aggregate classification (germline): Uncertain significance. Review status: criteria provided, multiple submitters, no conflicts (2 of 4 stars). 4 submissions from 4 submitters: Uncertain significance (3). 1 of the submissions does not count toward it. Last evaluated 2025-06-18.

Conditions:
Familial dysautonomia. Also called: FD; HSAN III. Identifiers: Orphanet 1764, MedGen C0013364, MONDO:0009131, OMIM 223900. Disease mechanism: loss of function.
Medulloblastoma (MDB). Also called: MEDULLOBLASTOMA PREDISPOSITION SYNDROME; Medulloblastoma, somatic. Identifiers: Orphanet 616, MedGen C0025149, MeSH D008527, MONDO:0007959, OMIM 155255, HP:0002885.

Allele frequency attached by ClinVar (database versions not stated): ExAC 0.00001; gnomAD 0.00001; gnomAD exomes 0.00001 and 0.00002; TOPMed 0.00002.
gnomAD v4.1: 7 of 1,614,018 alleles (0.00043%); highest among the groups gnomAD compares: Middle Eastern, 0.016%; no homozygotes.

Submissions (4):

Ambry Genetics
Classification: Uncertain significance. Last evaluated: 2025-06-18. Review status: criteria provided, single submitter. Criteria: Ambry Variant Classification Scheme 2023. Collection method: clinical testing. Allele origin: germline.

Labcorp Genetics (formerly Invitae), Labcorp
Classification: Uncertain significance. Last evaluated: 2021-08-27. Review status: criteria provided, single submitter. Criteria: Invitae Variant Classification Sherloc (09022015). Collection method: clinical testing. Allele origin: germline.
Comment: This sequence change replaces aspartic acid with asparagine at codon 821 of the ELP1 protein (p.Asp821Asn). The aspartic acid residue is highly conserved and there is a small physicochemical difference between aspartic acid and asparagine. This variant is present in population databases (rs770590151, ExAC 0.009%). This variant has not been reported in the literature in individuals affected with ELP1-related conditions. Algorithms developed to predict the effect of missense changes on protein structure and function are either unavailable or do not agree on the potential impact of this missense change (SIFT: "Tolerated"; PolyPhen-2: "Probably Damaging"; Align-GVGD: "Class C0"). In summary, the available evidence is currently insufficient to determine the role of this variant in disease. Therefore, it has been classified as a Variant of Uncertain Significance.

Fulgent Genetics
Classification: Uncertain significance for Medulloblastoma; Familial dysautonomia. Last evaluated: 2021-07-02. Review status: criteria provided, single submitter. Criteria: ACMG Guidelines, 2015. Collection method: clinical testing. Allele origin: unknown.

Natera, Inc.
Classification: Uncertain significance for Familial dysautonomia. Last evaluated: 2020-09-16. Review status: no assertion criteria provided. Collection method: clinical testing. Allele origin: germline. Not counted in ClinVar's aggregate classification.

NM_003640.5(ELP1):c.2461G>A (p.Asp821Asn)

Gene: ELP1 (elongator acetyltransferase complex subunit 1; minus strand). Cytogenetic location: 9q31.3.
Variant type: single nucleotide variant.
Coding change: c.2461G>A on transcript NM_003640.5 (MANE Select); coding-DNA position 2461, G replaced by A.
Protein change: p.Asp821Asn; replaces aspartic acid 821 with asparagine.
Molecular consequence: missense variant.
Genome position (GRCh38, 1-based): chr9:108,897,188, C>T on the plus strand (G>A on the coding strand, the complement: ELP1 is on the minus strand). VCF-style: chr9-108897188-C-T. GRCh37 (hg19) VCF-style: chr9-111659468-C-T.
Other names: c.2461G>A (LRG_251t1); c.2119G>A, p.Asp707Asn (NM_001318360.2); c.1414G>A, p.Asp472Asn (NM_001330749.2); short protein forms D821N, D707N, D472N.
Identifiers: ClinVar variation 572001 (VCV000572001.6), dbSNP rs770590151, ClinGen allele CA5174642.
Genomic context (GRCh38, chr9:108,897,188, plus strand): 5'-CCTGGTGACAGCATACATACTTATGAGGATTTATGCTCTCCATGACTGCTCTCATAGCAT[C>T]GCAGACAAGGTCTATTTTATTCCCGTCAGGATCCCTGGACAGGTAGACACTGCTGGTAAC-3'
Protein context (NP_003631.2, residues 811-831): PDGNKIDLVC[Asp821Asn]AMRAVMESIN